The following is an entry in ClinVar:

NM_001374353.1(GLI2):c.1079C>T (p.Ser360Leu)

Gene: GLI2 (GLI family zinc finger 2; plus strand). Cytogenetic location: 2q14.2.
Variant type: single nucleotide variant.
Coding change: c.1079C>T on transcript NM_001374353.1 (MANE Select); coding-DNA position 1079, C replaced by T.
Protein change: p.Ser360Leu; replaces serine 360 with leucine.
Molecular consequence: missense variant.
Genome position (GRCh38, 1-based): chr2:120,971,960, C>T. VCF-style: chr2-120971960-C-T. GRCh37 (hg19) VCF-style: chr2-121729536-C-T.
Other names: c.1079C>T, p.Ser360Leu (NM_001371271.1, NM_005270.5); c.704C>T, p.Ser235Leu (NM_001374354.1); short protein forms S235L, S360L.
Identifiers: ClinVar variation 2930047 (VCV002930047.3), dbSNP rs745666636, ClinGen allele CA1851769.

ClinVar aggregate classification (germline): Uncertain significance (1 of 4 stars; one submission).

Conditions:
Postaxial polydactyly-anterior pituitary anomalies-facial dysmorphism syndrome. Also called: Culler-Jones syndrome. Identifiers: Orphanet 420584, MedGen C4014479, MONDO:0014369, OMIM 615849.
Holoprosencephaly 9 (HPE9). Also called: PITUITARY ANOMALIES WITH HOLOPROSENCEPHALY-LIKE FEATURES; HOLOPROSENCEPHALY WITH MICROPHTHALMIA AND FIRST BRANCHIAL ARCH ANOMALIES. Identifiers: Orphanet 2162, MedGen C1835819, MONDO:0012563, OMIM 610829.

Allele frequency attached by ClinVar (database versions not stated): TOPMed below 0.00001; gnomAD exomes 0.00001; gnomAD 0.00001; ExAC 0.00003.
gnomAD v4.1: 18 of 1,613,576 alleles (0.0011%); highest among the groups gnomAD compares: Admixed American, 0.0033%; no homozygotes.

Submission:

Labcorp Genetics (formerly Invitae), Labcorp
Classification: Uncertain significance for Postaxial polydactyly-anterior pituitary anomalies-facial dysmorphism syndrome; Holoprosencephaly 9. Last evaluated: 2025-10-25. Review status: criteria provided, single submitter. Criteria: Invitae Variant Classification Sherloc (09022015). Collection method: clinical testing. Allele origin: germline.
Comment: This sequence change replaces serine, which is neutral and polar, with leucine, which is neutral and non-polar, at codon 360 of the GLI2 protein (p.Ser360Leu). This variant is present in population databases (rs745666636, gnomAD 0.006%). This variant has not been reported in the literature in individuals affected with GLI2-related conditions. ClinVar contains an entry for this variant (Variation ID: 2930047). Invitae Evidence Modeling of protein sequence and biophysical properties (such as structural, functional, and spatial information, amino acid conservation, physicochemical variation, residue mobility, and thermodynamic stability) indicates that this missense variant is expected to disrupt GLI2 protein function with a positive predictive value of 80%. In summary, the available evidence is currently insufficient to determine the role of this variant in disease. Therefore, it has been classified as a Variant of Uncertain Significance.